The following is an entry in ClinVar:

ClinVar aggregate classification (germline): Uncertain significance (1 of 4 stars; one submission).

Conditions:
Brugada syndrome 4 (BRGDA4). Identifiers: Orphanet 130, MedGen C2678477, MONDO:0012743, OMIM 611876.

Submission:

Labcorp Genetics (formerly Invitae), Labcorp
Classification: Uncertain significance for Brugada syndrome 4. Last evaluated: 2019-05-31. Review status: criteria provided, single submitter. Criteria: Invitae Variant Classification Sherloc (09022015). Collection method: clinical testing. Allele origin: germline.
Comment: This variant is not present in population databases (ExAC no frequency). This sequence change replaces threonine with serine at codon 268 of the CACNB2 protein (p.Thr268Ser). The threonine residue is highly conserved and there is a small physicochemical difference between threonine and serine. This variant has not been reported in the literature in individuals with CACNB2-related conditions. Algorithms developed to predict the effect of missense changes on protein structure and function are either unavailable or do not agree on the potential impact of this missense change (SIFT: "Tolerated"; PolyPhen-2: "Possibly Damaging"; Align-GVGD: "Class C0"). In summary, the available evidence is currently insufficient to determine the role of this variant in disease. Therefore, it has been classified as a Variant of Uncertain Significance.

NM_201596.3(CACNB2):c.964A>T (p.Thr322Ser)

Gene: CACNB2 (calcium voltage-gated channel auxiliary subunit beta 2; plus strand). Cytogenetic location: 10p12.31.
Variant type: single nucleotide variant.
Coding change: c.964A>T on transcript NM_201596.3 (MANE Select); coding-DNA position 964, A replaced by T.
Protein change: p.Thr322Ser; replaces threonine 322 with serine.
Molecular consequence: missense variant.
Genome position (GRCh38, 1-based): chr10:18,527,607, A>T. VCF-style: chr10-18527607-A-T. GRCh37 (hg19) VCF-style: chr10-18816536-A-T.
Other names: c.799A>T, p.Thr267Ser (NM_000724.4); c.766A>T, p.Thr256Ser (NM_001167945.2); c.685A>T, p.Thr229Ser (NM_001330060.2); c.820A>T, p.Thr274Ser (NM_201570.3); c.880A>T, p.Thr294Ser (NM_201571.4); c.808A>T, p.Thr270Ser (NM_201572.4); c.802A>T, p.Thr268Ser (NM_201590.3); c.850A>T, p.Thr284Ser (NM_201593.3); and 1 more; short protein forms T267S, T268S, T270S, T274S, T322S, T229S, T256S, T284S.
Identifiers: ClinVar variation 945648 (VCV000945648.9), dbSNP rs2052608666, ClinGen allele CA376065195.
Genomic context (GRCh38, chr10:18,527,607, plus strand): 5'-CCAATAACCTTAAGGTCTTCTGTGACTTTTTCCTCCAACAGGATATCCATCACAAGGGTC[A>T]CCGCTGACATCTCGCTTGCCAAACGCTCGGTATTAAACAATCCCAGTAAGCACGCAATAA-3'
Protein context (NP_963890.2, residues 312-332): FEGRISITRV[Thr322Ser]ADISLAKRSV